The following is an entry in ClinVar:

NM_152564.5(VPS13B):c.2241G>C (p.Leu747Phe)

Gene: VPS13B (vacuolar protein sorting 13 homolog B; plus strand). Cytogenetic location: 8q22.2.
Variant type: single nucleotide variant.
Coding change: c.2241G>C on transcript NM_152564.5 (MANE Select); coding-DNA position 2241, G replaced by C.
Protein change: p.Leu747Phe; replaces leucine 747 with phenylalanine.
Molecular consequence: missense variant.
Genome position (GRCh38, 1-based): chr8:99,170,071, G>C. VCF-style: chr8-99170071-G-C. GRCh37 (hg19) VCF-style: chr8-100182299-G-C.
Other names: c.2241G>C, p.Leu747Phe (NM_015243.3, NM_017890.5); short protein forms L747F.
Identifiers: ClinVar variation 1475762 (VCV001475762.6), dbSNP rs757030166, ClinGen allele CA4822857.

ClinVar aggregate classification (germline): Uncertain significance (1 of 4 stars; one submission).

Conditions:
Cohen syndrome (COH1). Also called: PEPPER SYNDROME; Cutis verticis gyrata, retinitis pigmentosa, and sensorineural deafness. Identifiers: Orphanet 193, MedGen C0265223, MONDO:0008999, OMIM 216550.

Allele frequency attached by ClinVar (database versions not stated): gnomAD exomes below 0.00001; ExAC 0.00001.
gnomAD v4.1: 2 of 1,612,802 alleles (0.00012%); highest among the groups gnomAD compares: Admixed American, 0.0033%; no homozygotes.

Submission:

Labcorp Genetics (formerly Invitae), Labcorp
Classification: Uncertain significance for Cohen syndrome. Last evaluated: 2023-11-28. Review status: criteria provided, single submitter. Criteria: Invitae Variant Classification Sherloc (09022015). Collection method: clinical testing. Allele origin: germline.
Comment: This sequence change replaces leucine with phenylalanine at codon 747 of the VPS13B protein (p.Leu747Phe). The leucine residue is weakly conserved and there is a small physicochemical difference between leucine and phenylalanine. This variant is present in population databases (rs757030166, gnomAD 0.003%). This variant has not been reported in the literature in individuals affected with VPS13B-related conditions. ClinVar contains an entry for this variant (Variation ID: 1475762). Advanced modeling of protein sequence and biophysical properties (such as structural, functional, and spatial information, amino acid conservation, physicochemical variation, residue mobility, and thermodynamic stability) performed at Invitae indicates that this missense variant is not expected to disrupt VPS13B protein function with a negative predictive value of 80%. In summary, the available evidence is currently insufficient to determine the role of this variant in disease. Therefore, it has been classified as a Variant of Uncertain Significance.